The following is an entry in ClinVar:

NM_003906.5(MCM3AP):c.4289A>C (p.Lys1430Thr)

Genes: MCM3AP (minichromosome maintenance complex component 3 associated protein; minus strand), MCM3AP-AS1 (MCM3AP antisense RNA 1; plus strand). Cytogenetic location: 21q22.3.
Variant type: single nucleotide variant.
Coding change: c.4289A>C on transcript NM_003906.5 (MANE Select); coding-DNA position 4289, A replaced by C.
Protein change: p.Lys1430Thr; replaces lysine 1430 with threonine.
Molecular consequence: missense variant. On other transcripts: non-coding transcript variant (2).
Genome position (GRCh38, 1-based): chr21:46,251,530, T>G on the plus strand (A>C on the coding strand, the complement: MCM3AP is on the minus strand). VCF-style: chr21-46251530-T-G. GRCh37 (hg19) VCF-style: chr21-47671444-T-G.
Other names: short protein forms K1430T.
Identifiers: ClinVar variation 1949370 (VCV001949370.10), dbSNP rs144723595, ClinGen allele CA10076180.

ClinVar aggregate classification (germline): Uncertain significance. Review status: criteria provided, multiple submitters, no conflicts (2 of 4 stars). 3 submissions from 3 submitters: Uncertain significance (3). Last evaluated 2026-03-01.

Conditions:
Peripheral neuropathy, autosomal recessive, with or without impaired intellectual development. Identifiers: MedGen C4748283, MONDO:0029131, OMIM 618124.

Allele frequency attached by ClinVar (database versions not stated): ExAC 0.00001; TOPMed 0.00001; gnomAD 0.00002; gnomAD exomes 0.00004; ESP Exome Variant Server 0.00008.
gnomAD v4.1: 68 of 1,603,596 alleles (0.0042%); highest among the groups gnomAD compares: Non-Finnish European, 0.0055%; no homozygotes.

Submissions (3):

CeGaT Center for Human Genetics Tuebingen
Classification: Uncertain significance. Last evaluated: 2026-03-01. Review status: criteria provided, single submitter. Criteria: CeGaT Center For Human Genetics Tuebingen Variant Classification Criteria Version 2. Collection method: clinical testing. Allele origin: germline. Affected: yes. Observed: 1 variant allele.
Comment: MCM3AP: PM2, PP3

Labcorp Genetics (formerly Invitae), Labcorp
Classification: Uncertain significance. Last evaluated: 2022-01-19. Review status: criteria provided, single submitter. Criteria: Invitae Variant Classification Sherloc (09022015). Collection method: clinical testing. Allele origin: germline.
Comment: This sequence change replaces lysine, which is basic and polar, with threonine, which is neutral and polar, at codon 1430 of the MCM3AP protein (p.Lys1430Thr). This variant is present in population databases (rs144723595, gnomAD 0.005%). This variant has not been reported in the literature in individuals affected with MCM3AP-related conditions. Algorithms developed to predict the effect of missense changes on protein structure and function (SIFT, PolyPhen-2, Align-GVGD) all suggest that this variant is likely to be disruptive. Algorithms developed to predict the effect of sequence changes on RNA splicing suggest that this variant may disrupt the consensus splice site. In summary, the available evidence is currently insufficient to determine the role of this variant in disease. Therefore, it has been classified as a Variant of Uncertain Significance.

Baylor Genetics
Classification: Uncertain significance for Peripheral neuropathy, autosomal recessive, with or without impaired intellectual development. Last evaluated: 2021-03-07. Review status: criteria provided, single submitter. Criteria: ACMG Guidelines, 2015. Collection method: clinical testing. Allele origin: unknown.